The following is an entry in ClinVar:

NM_000083.3(CLCN1):c.-16C>G

Gene: CLCN1 (chloride voltage-gated channel 1; plus strand). Cytogenetic location: 7q34.
Variant type: single nucleotide variant.
Coding change: c.-16C>G on transcript NM_000083.3 (MANE Select); 16 bases upstream of the start codon, C replaced by G.
Molecular consequence: 5 prime UTR variant. On other transcripts: non-coding transcript variant (1).
Genome position (GRCh38, 1-based): chr7:143,316,197, C>G. VCF-style: chr7-143316197-C-G. GRCh37 (hg19) VCF-style: chr7-143013290-C-G.
Identifiers: ClinVar variation 383610 (VCV000383610.2), dbSNP rs191902231, ClinGen allele CA4536782.
Genomic context (GRCh38, chr7:143,316,197, plus strand): 5'-AGGCTTAAGGAGCTACACTGGGGGAAGGACAGGGGCAAGCAGGCCAAGGCCTGGCCGGGG[C>G]TCGGGGGGAGGGAATATGGAGCAATCCCGGTCACAGCAGCGTGGGGGTGAACAAAGCTGG-3'

ClinVar aggregate classification (germline): Benign. Review status: criteria provided, multiple submitters, no conflicts (2 of 4 stars). 2 submissions from 2 submitters: Benign (2). Last evaluated 2016-10-31.

Allele frequency attached by ClinVar (database versions not stated): ExAC 0.00928; gnomAD exomes 0.01167; 1000 Genomes Project 0.01278.

Submissions (2):

GeneDx
Classification: Benign. Last evaluated: 2016-10-31. Review status: criteria provided, single submitter. Criteria: GeneDx Variant Classification (06012015). Collection method: clinical testing. Allele origin: germline. Affected: yes.
Comment: This variant is considered likely benign or benign based on one or more of the following criteria: it is a conservative change, it occurs at a poorly conserved position in the protein, it is predicted to be benign by multiple in silico algorithms, and/or has population frequency not consistent with disease.

Breakthrough Genomics
Classification: Benign. Review status: criteria provided, single submitter. Criteria: ACMG Guidelines, 2015. Collection method: not provided. Allele origin: germline. Inheritance: Autosomal recessive inheritance. Affected: yes.